The following is an entry in ClinVar:

ClinVar aggregate classification (germline): Uncertain significance (1 of 4 stars; one submission).

Conditions:
Autosomal recessive limb-girdle muscular dystrophy type 2P. Also called: MUSCULAR DYSTROPHY-DYSTROGLYCANOPATHY, LIMB-GIRDLE, DAG1-RELATED; Limb-Girdle Muscular Dystrophy Type 9C; MUSCULAR DYSTROPHY, LIMB-GIRDLE, TYPE 2P. Identifiers: Orphanet 280333, MedGen C4511963, MONDO:0013440, OMIM 613818.
Muscular dystrophy-dystroglycanopathy (congenital with brain and eye anomalies), type A9. Also called: WALKER-WARBURG SYNDROME OR MUSCLE-EYE BRAIN DISEASE, DAG1-RELATED; Muscular dystrophy-dystroglycanopathy (congenital with brain and eye anomalies), type a, 9. Identifiers: Orphanet 370997, Orphanet 899, MedGen C4225291, MONDO:0014683, OMIM 616538.

Allele frequency attached by ClinVar (database versions not stated): gnomAD exomes below 0.00001; gnomAD 0.00001; TOPMed 0.00001.
gnomAD v4.1: 5 of 1,613,952 alleles (0.00031%); highest among the groups gnomAD compares: African/African-American, 0.0013%; no homozygotes.

Submission:

Labcorp Genetics (formerly Invitae), Labcorp
Classification: Uncertain significance for Autosomal recessive limb-girdle muscular dystrophy type 2P; Muscular dystrophy-dystroglycanopathy (congenital with brain and eye anomalies), type A9. Last evaluated: 2018-09-08. Review status: criteria provided, single submitter. Criteria: Invitae Variant Classification Sherloc (09022015). Collection method: clinical testing. Allele origin: germline.
Comment: This variant is not present in population databases (ExAC no frequency). This sequence change replaces arginine with glutamine at codon 779 of the DAG1 protein (p.Arg779Gln). The arginine residue is highly conserved and there is a small physicochemical difference between arginine and glutamine. In summary, the available evidence is currently insufficient to determine the role of this variant in disease. Therefore, it has been classified as a Variant of Uncertain Significance. Algorithms developed to predict the effect of missense changes on protein structure and function are either unavailable or do not agree on the potential impact of this missense change (SIFT: "Tolerated"; PolyPhen-2: "Probably Damaging"; Align-GVGD: "Class C0"). This variant has not been reported in the literature in individuals with DAG1-related disease.

NM_004393.6(DAG1):c.2336G>A (p.Arg779Gln)

Gene: DAG1 (dystroglycan 1; plus strand). Cytogenetic location: 3p21.31.
Variant type: single nucleotide variant.
Coding change: c.2336G>A on transcript NM_004393.6 (MANE Select); coding-DNA position 2336, G replaced by A.
Protein change: p.Arg779Gln; replaces arginine 779 with glutamine.
Molecular consequence: missense variant.
Genome position (GRCh38, 1-based): chr3:49,532,847, G>A. VCF-style: chr3-49532847-G-A. GRCh37 (hg19) VCF-style: chr3-49570280-G-A.
Other names: c.2336G>A, p.Arg779Gln (NM_001165928.4, NM_001177634.3, NM_001177635.3 and 9 more transcripts); short protein forms R779Q.
Identifiers: ClinVar variation 660048 (VCV000660048.7), dbSNP rs1283360967, ClinGen allele CA352797544.